The following is an entry in ClinVar:

ClinVar aggregate classification (germline): Uncertain significance. Review status: criteria provided, multiple submitters, no conflicts (2 of 4 stars). 2 submissions from 2 submitters: Uncertain significance (2). Last evaluated 2024-04-30.

Conditions:
Hereditary cancer-predisposing syndrome. Also called: Neoplastic Syndromes, Hereditary; Hereditary Cancer Syndrome; Tumor predisposition; Hereditary neoplastic syndrome. Identifiers: Orphanet 140162, MedGen C0027672, MeSH D009386, MONDO:0015356.
Ataxia-telangiectasia syndrome (AT). Also called: LOUIS-BAR SYNDROME; Cerebello-oculocutaneous telangiectasia; Immunodeficiency with ataxia telangiectasia; Ataxia-telangiectasia, complementation group D; AT, COMPLEMENTATION GROUP C; Ataxia-telangiectasia, complementation group E. Identifiers: Orphanet 100, MedGen C0004135, MONDO:0008840, OMIM 208900.

Allele frequency attached by ClinVar (database versions not stated): gnomAD exomes below 0.00001.
gnomAD v4.1: 1 of 1,613,694 alleles (0.000062%); highest among the groups gnomAD compares: South Asian, 0.0011%; no homozygotes.

Submissions (2):

Labcorp Genetics (formerly Invitae), Labcorp
Classification: Uncertain significance for Ataxia-telangiectasia syndrome. Last evaluated: 2024-04-30. Review status: criteria provided, single submitter. Criteria: Invitae Variant Classification Sherloc (09022015). Collection method: clinical testing. Allele origin: germline.
Comment: This sequence change replaces glutamine, which is neutral and polar, with histidine, which is basic and polar, at codon 2358 of the ATM protein (p.Gln2358His). This variant is not present in population databases (gnomAD no frequency). This variant has not been reported in the literature in individuals affected with ATM-related conditions. ClinVar contains an entry for this variant (Variation ID: 407545). An algorithm developed to predict the effect of missense changes on protein structure and function (PolyPhen-2) suggests that this variant is likely to be tolerated. In summary, the available evidence is currently insufficient to determine the role of this variant in disease. Therefore, it has been classified as a Variant of Uncertain Significance.

Ambry Genetics
Classification: Uncertain significance for Hereditary cancer-predisposing syndrome. Last evaluated: 2023-05-31. Review status: criteria provided, single submitter. Criteria: Ambry Variant Classification Scheme 2023. Collection method: clinical testing. Allele origin: germline.
Comment: The p.Q2358H variant (also known as c.7074G>T), located in coding exon 47 of the ATM gene, results from a G to T substitution at nucleotide position 7074. The glutamine at codon 2358 is replaced by histidine, an amino acid with highly similar properties. This amino acid position is not well conserved in available vertebrate species. In addition, the in silico prediction for this alteration is inconclusive. Since supporting evidence is limited at this time, the clinical significance of this alteration remains unclear.

NM_000051.4(ATM):c.7074G>T (p.Gln2358His)

Genes: ATM (ATM serine/threonine kinase; plus strand), C11orf65 (chromosome 11 open reading frame 65; minus strand). Cytogenetic location: 11q22.3.
Variant type: single nucleotide variant.
Coding change: c.7074G>T on transcript NM_000051.4 (MANE Select); coding-DNA position 7074, G replaced by T.
Protein change: p.Gln2358His; replaces glutamine 2358 with histidine.
Molecular consequence: missense variant. On other transcripts: intron variant (2).
Genome position (GRCh38, 1-based): chr11:108,327,743, G>T. VCF-style: chr11-108327743-G-T. GRCh37 (hg19) VCF-style: chr11-108198470-G-T.
Other names: c.7074G>T, p.Gln2358His (NM_001351834.2); c.641-18672C>A (NM_001330368.2); c.*38+7477C>A (NM_001351110.2); short protein forms Q2358H.
Identifiers: ClinVar variation 407545 (VCV000407545.15), dbSNP rs1060501593, ClinGen allele CA16613426.
Genomic context (GRCh38, chr11:108,327,743, plus strand): 5'-GAGGGTTTGTGGCAACTGGTTAGCAGAAACGTGCTTAGAAAATCCTGCGGTCATCATGCA[G>T]ACCTATCTAGAAAAGGTAAGATTTTTGGAGCAACCCTTAAGATAGTTACTTAGCATGAAT-3'
Protein context (NP_000042.3, residues 2348-2368): TCLENPAVIM[Gln2358His]TYLEKAVEVA